The following is an entry in ClinVar:

NM_001289808.2(CRYAB):c.-21C>T

Gene: CRYAB (crystallin alpha B; minus strand). Cytogenetic location: 11q23.1.
Variant type: single nucleotide variant.
Coding change: c.-21C>T on transcript NM_001289808.2 (MANE Select); 21 bases upstream of the start codon, C replaced by T.
Molecular consequence: 5 prime UTR variant.
Genome position (GRCh38, 1-based): chr11:111,911,745, G>A on the plus strand (C>T on the coding strand, the complement: CRYAB is on the minus strand). VCF-style: chr11-111911745-G-A. GRCh37 (hg19) VCF-style: chr11-111782469-G-A.
Other names: c.-21C>T (NM_001289807.1, NM_001368245.1, NM_001885.3).
Identifiers: ClinVar variation 302433 (VCV000302433.6), dbSNP rs376222434, ClinGen allele CA6275598.
Genomic context (GRCh38, chr11:111,911,745, plus strand): 5'-AGGGGCGGCGGATCCAGGGGTGGTGGATGGCGATGTCCATGGTGGCTAGGTGAGTGTGAG[G>A]GGTCAGCTGGCTGGTCAGCTCCTTCAGCTGCAGCTACAGCCAGCCCCTTATATATGCAGT-3'

ClinVar aggregate classification (germline): Benign/Likely benign. Review status: criteria provided, multiple submitters, no conflicts (2 of 4 stars). 3 submissions from 2 submitters: Benign (1); Likely benign (2). Last evaluated 2017-04-27.

Conditions:
Fatal infantile hypertonic myofibrillar myopathy (MFM2B). Also called: MYOPATHY, MYOFIBRILLAR, 2B, INFANTILE-ONSET; MFM, FATAL INFANTILE HYPERTONIC, ALPHA-B CRYSTALLIN-RELATED. Identifiers: Orphanet 280553, MedGen C5190691, MONDO:0013472, OMIM 613869.
Cataract 16 multiple types. Also called: CATARACT 16, POSTERIOR POLAR; CATARACT 16, CONGENITAL LAMELLAR; CATARACT, CONGENITAL LAMELLAR. Identifiers: Orphanet 91492, Orphanet 98992, Orphanet 98993, Orphanet 98995, MedGen C3808377, MONDO:0013411, OMIM 613763.

Allele frequency attached by ClinVar (database versions not stated): TOPMed 0.00016; gnomAD 0.00019 and 0.00020; ESP Exome Variant Server 0.00023; gnomAD exomes 0.00032; 1000 Genomes Project 0.00040; 1000 Genomes Project 30x 0.00047; ExAC 0.00061.
gnomAD v4.1: 442 of 1,542,274 alleles (0.029%); highest among the groups gnomAD compares: South Asian, 0.11%; 1 homozygote.

Submissions (3):

Illumina Laboratory Services, Illumina
Classification: Likely benign for Fatal infantile hypertonic myofibrillar myopathy. Last evaluated: 2017-04-27. Review status: criteria provided, single submitter. Criteria: ICSL Variant Classification Criteria 13 December 2019. Collection method: clinical testing. Allele origin: germline.
Comment: This variant was observed as part of a predisposition screen in an ostensibly healthy population. A literature search was performed for the gene, cDNA change, and amino acid change (where applicable). No publications were found based on this search. Allele frequency data from public databases allowed determination this variant is unlikely to cause disease. Therefore, this variant is classified as likely benign.

Illumina Laboratory Services, Illumina
Classification: Likely benign for Cataract 16 multiple types. Last evaluated: 2017-04-27. Review status: criteria provided, single submitter. Criteria: ICSL Variant Classification Criteria 13 December 2019. Collection method: clinical testing. Allele origin: germline.
Comment: the same text as in the submission from Illumina Laboratory Services, Illumina above.

GeneDx
Classification: Benign. Last evaluated: 2017-01-05. Review status: criteria provided, single submitter. Criteria: GeneDx Variant Classification (06012015). Collection method: clinical testing. Allele origin: germline. Affected: yes.
Comment: This variant is considered likely benign or benign based on one or more of the following criteria: it is a conservative change, it occurs at a poorly conserved position in the protein, it is predicted to be benign by multiple in silico algorithms, and/or has population frequency not consistent with disease.